The following is an entry in ClinVar:

NM_003842.5(TNFRSF10B):c.657A>G (p.Thr219=)

Gene: TNFRSF10B (TNF receptor superfamily member 10b; minus strand). Cytogenetic location: 8p21.3.
Variant type: single nucleotide variant.
Coding change: c.657A>G on transcript NM_003842.5 (MANE Select); coding-DNA position 657, A replaced by G.
Protein change: p.Thr219=; no amino-acid change (threonine 219 retained).
Molecular consequence: synonymous variant. On other transcripts: non-coding transcript variant (1).
Genome position (GRCh38, 1-based): chr8:23,028,422, T>C on the plus strand (A>G on the coding strand, the complement: TNFRSF10B is on the minus strand). VCF-style: chr8-23028422-T-C. GRCh37 (hg19) VCF-style: chr8-22885935-T-C.
Other names: c.570A>G, p.Thr190= (NM_147187.3).
Identifiers: ClinVar variation 3055816 (VCV003055816.2), dbSNP rs141760693, ClinGen allele CA4673276.

ClinVar aggregate classification (germline): Likely benign (0 of 4 stars; one submission).

Conditions:
TNFRSF10B-related disorder. Also called: TNFRSF10B-related condition.

Allele frequency attached by ClinVar (database versions not stated): gnomAD 0.00119; TOPMed 0.00125; ESP Exome Variant Server 0.00154.
gnomAD v4.1: 2,367 of 1,614,060 alleles (0.15%); highest among the groups gnomAD compares: Non-Finnish European, 0.18%; 3 homozygotes.

Submission:

PreventionGenetics, part of Exact Sciences
Classification: Likely benign for TNFRSF10B-related condition. Last evaluated: 2020-03-17. Review status: no assertion criteria provided. Collection method: clinical testing. Allele origin: germline.
Comment: This variant is classified as likely benign based on ACMG/AMP sequence variant interpretation guidelines (Richards et al. 2015 PMID: 25741868, with internal and published modifications).